The following is an entry in ClinVar:

ClinVar aggregate classification (germline): Uncertain significance. Review status: criteria provided, multiple submitters, no conflicts (2 of 4 stars). 3 submissions from 3 submitters: Uncertain significance (3). Last evaluated 2024-12-08.

Conditions:
Hereditary nonpolyposis colorectal neoplasms. Identifiers: MedGen C0009405, MeSH D003123.
Hereditary cancer-predisposing syndrome. Also called: Tumor predisposition; Hereditary neoplastic syndrome; Neoplastic Syndromes, Hereditary; Hereditary Cancer Syndrome. Identifiers: Orphanet 140162, MedGen C0027672, MeSH D009386, MONDO:0015356.
Lynch syndrome. Identifiers: Orphanet 144, MedGen C4552100, MONDO:0005835. Disease mechanism: loss of function.

Allele frequency attached by ClinVar (database versions not stated): gnomAD 0.00001.
gnomAD v4.1: 2 of 1,614,014 alleles (0.00012%); highest among the groups gnomAD compares: African/African-American, 0.0013%; no homozygotes.

Submissions (3):

Ambry Genetics
Classification: Uncertain significance for Hereditary cancer-predisposing syndrome. Last evaluated: 2024-12-08. Review status: criteria provided, single submitter. Criteria: Ambry Variant Classification Scheme 2023. Collection method: clinical testing. Allele origin: germline.
Comment: The p.S314T variant (also known as c.941G>C), located in coding exon 4 of the MSH6 gene, results from a G to C substitution at nucleotide position 941. The serine at codon 314 is replaced by threonine, an amino acid with similar properties. This amino acid position is conserved. In addition, this alteration is predicted to be tolerated by in silico analysis. Since supporting evidence is limited at this time, the clinical significance of this alteration remains unclear.

Labcorp Genetics (formerly Invitae), Labcorp
Classification: Uncertain significance for Hereditary nonpolyposis colorectal neoplasms. Last evaluated: 2024-04-22. Review status: criteria provided, single submitter. Criteria: Invitae Variant Classification Sherloc (09022015). Collection method: clinical testing. Allele origin: germline.
Comment: This sequence change replaces serine, which is neutral and polar, with threonine, which is neutral and polar, at codon 314 of the MSH6 protein (p.Ser314Thr). This variant is not present in population databases (gnomAD no frequency). This variant has not been reported in the literature in individuals affected with MSH6-related conditions. ClinVar contains an entry for this variant (Variation ID: 1494221). Advanced modeling of protein sequence and biophysical properties (such as structural, functional, and spatial information, amino acid conservation, physicochemical variation, residue mobility, and thermodynamic stability) performed at Invitae indicates that this missense variant is not expected to disrupt MSH6 protein function with a negative predictive value of 95%. In summary, the available evidence is currently insufficient to determine the role of this variant in disease. Therefore, it has been classified as a Variant of Uncertain Significance.

All of Us Research Program, National Institutes of Health
Classification: Uncertain significance for Lynch syndrome. Last evaluated: 2023-04-10. Review status: criteria provided, single submitter. Criteria: ACMG Guidelines, 2015. Collection method: clinical testing. Allele origin: germline. Inheritance: Autosomal dominant inheritance. Observed: 1 variant allele, 1 heterozygote.
Comment: This missense variant replaces serine with threonine at codon 314 of the MSH6 protein. Computational prediction suggests that this variant may not impact protein structure and function (internally defined REVEL score threshold <= 0.5, PMID: 27666373). To our knowledge, functional studies have not been reported for this variant. This variant has not been reported in individuals affected with MSH6-related disorders in the literature. This variant has not been identified in the general population by the Genome Aggregation Database (gnomAD). The available evidence is insufficient to determine the role of this variant in disease conclusively. Therefore, this variant is classified as a Variant of Uncertain Significance.

This study involves interpretation of variants in research participants for the purpose of population health screening. Participant phenotype was not available at the time of variant classification. Additional details can be found in publication PMID: 35346344, PMCID: PMC8962531

NM_000179.3(MSH6):c.941G>C (p.Ser314Thr)

Gene: MSH6 (mutS homolog 6; plus strand). Cytogenetic location: 2p16.3.
Variant type: single nucleotide variant.
Coding change: c.941G>C on transcript NM_000179.3 (MANE Select); coding-DNA position 941, G replaced by C.
Protein change: p.Ser314Thr; replaces serine 314 with threonine.
Molecular consequence: missense variant.
Genome position (GRCh38, 1-based): chr2:47,798,924, G>C. VCF-style: chr2-47798924-G-C. GRCh37 (hg19) VCF-style: chr2-48026063-G-C.
Other names: c.551G>C, p.Ser184Thr (NM_001281492.2); c.35G>C, p.Ser12Thr (NM_001281493.2, NM_001281494.2); short protein forms S184T, S314T, S12T.
Identifiers: ClinVar variation 1494221 (VCV001494221.12), dbSNP rs760100983, ClinGen allele CA346740778.
Genomic context (GRCh38, chr2:47,798,924, plus strand): 5'-TCAAAGTTGCTCGAAAGCGGAAGAGAATGGTGACTGGAAATGGCTCTCTTAAAAGGAAAA[G>C]CTCTAGGAAGGAAACGCCCTCAGCCACCAAACAAGCAACTAGCATTTCATCAGAAACCAA-3'
Protein context (NP_000170.1, residues 304-324): VTGNGSLKRK[Ser314Thr]SRKETPSATK